The following is an entry in ClinVar:

NM_000274.4(OAT):c.498C>A (p.Tyr166Ter)

Gene: OAT (ornithine aminotransferase; minus strand). Cytogenetic location: 10q26.13.
Variant type: single nucleotide variant.
Coding change: c.498C>A on transcript NM_000274.4 (MANE Select); coding-DNA position 498, C replaced by A.
Protein change: p.Tyr166Ter; replaces tyrosine 166 with a stop codon.
Molecular consequence: nonsense. On other transcripts: 5 prime UTR variant (1), intron variant (1).
Genome position (GRCh38, 1-based): chr10:124,408,564, G>T on the plus strand (C>A on the coding strand, the complement: OAT is on the minus strand). VCF-style: chr10-124408564-G-T. GRCh37 (hg19) VCF-style: chr10-126097133-G-T.
Other names: c.84C>A, p.Tyr28Ter (NM_001171814.2); c.498C>A, p.Tyr166Ter (NM_001322965.2, NM_001322966.2, NM_001322967.2 and 3 more transcripts); c.-217C>A (NM_001322974.2); c.200-3001C>A (NM_001322971.2); short protein forms Y166*, Y28*.
Identifiers: ClinVar variation 5012773 (VCV005012773.1).
Genomic context (GRCh38, chr10:124,408,564, plus strand): 5'-TGTTTCAATCATAGAAGTTAATATTTAATTTCACATACCTGCAAAAACAATCTTTGCTTT[G>T]TATTTCTGAATGCCCTTCACGGTATAGCCCCACTTACGAGCTAGTTTACAGGCAGTCTCT-3'

ClinVar aggregate classification (germline): Pathogenic (1 of 4 stars; one submission).

Conditions:
Ornithine aminotransferase deficiency (GACR). Also called: HYPERORNITHINEMIA WITH GYRATE ATROPHY OF CHOROID AND RETINA; OAT DEFICIENCY; OKT DEFICIENCY; Ornithine ketoacid aminotransferase deficiency; Gyrate atrophy; Gyrate atrophy of choroid and retina. Identifiers: Orphanet 414, MedGen C0018425, MONDO:0009796, OMIM 258870.

Submission:

Myriad Genetics, Inc.
Classification: Pathogenic for Ornithine aminotransferase deficiency. Last evaluated: 2024-05-14. Review status: criteria provided, single submitter. Criteria: Myriad Autosomal Dominant, Autosomal Recessive and X-Linked Classification Criteria (2023). Collection method: clinical testing. Allele origin: unknown.
Comment: NM_000274.3(OAT):c.498C>A(Y166*) is expected to be pathogenic in the context of ornithine aminotransferase deficiency. This variant is predicted to lead to an abnormal or absent protein product due to the creation of a premature termination codon in OAT, a gene where loss-of-function variants are known to be pathogenic. Please note: this variant was assessed in the context of healthy population screening.